The following is an entry in ClinVar:

NM_000135.4(FANCA):c.1006+6C>A

Gene: FANCA (FA complementation group A; minus strand). Cytogenetic location: 16q24.3.
Variant type: single nucleotide variant.
Coding change: c.1006+6C>A on transcript NM_000135.4 (MANE Select); 6 bases into the intron after coding-DNA position 1006, C replaced by A.
Molecular consequence: intron variant.
Genome position (GRCh38, 1-based): chr16:89,795,900, G>T on the plus strand (C>A on the coding strand, the complement: FANCA is on the minus strand). VCF-style: chr16-89795900-G-T. GRCh37 (hg19) VCF-style: chr16-89862308-G-T.
Other names: c.1006+6C>A (NM_001286167.3).
Identifiers: ClinVar variation 2725719 (VCV002725719.3), dbSNP rs759224475, ClinGen allele CA2635042306.

ClinVar aggregate classification (germline): Uncertain significance (1 of 4 stars; one submission).

Conditions:
Fanconi anemia (FA). Also called: Fanconi's anemia. Identifiers: Orphanet 84, MedGen C0015625, MeSH D005199, MONDO:0019391.

Submission:

Labcorp Genetics (formerly Invitae), Labcorp
Classification: Uncertain significance for Fanconi anemia. Last evaluated: 2023-12-26. Review status: criteria provided, single submitter. Criteria: Invitae Variant Classification Sherloc (09022015). Collection method: clinical testing. Allele origin: germline.
Comment: This sequence change falls in intron 11 of the FANCA gene. It does not directly change the encoded amino acid sequence of the FANCA protein. It affects a nucleotide within the consensus splice site. This variant is not present in population databases (gnomAD no frequency). This variant has not been reported in the literature in individuals affected with FANCA-related conditions. Variants that disrupt the consensus splice site are a relatively common cause of aberrant splicing (PMID: 17576681, 9536098). Algorithms developed to predict the effect of sequence changes on RNA splicing suggest that this variant is not likely to affect RNA splicing. In summary, the available evidence is currently insufficient to determine the role of this variant in disease. Therefore, it has been classified as a Variant of Uncertain Significance.

Literature cited by the submitters: PubMed 17576681; PubMed 9536098.